The following is an entry in ClinVar:

ClinVar aggregate classification (germline): Uncertain significance (1 of 4 stars; one submission).

Allele frequency attached by ClinVar (database versions not stated): 1000 Genomes Project 30x 0.00016; 1000 Genomes Project 0.00020.
gnomAD v4.1: 88 of 1,614,118 alleles (0.0055%); highest among the groups gnomAD compares: Non-Finnish European, 0.0068%; no homozygotes.

Submission:

CeGaT Center for Human Genetics Tuebingen
Classification: Uncertain significance. Last evaluated: 2023-08-01. Review status: criteria provided, single submitter. Criteria: CeGaT Center For Human Genetics Tuebingen Variant Classification Criteria Version 2. Collection method: clinical testing. Allele origin: germline. Affected: yes. Observed: 1 variant allele.
Comment: AARS2: PM2, BP4

NM_020745.4(AARS2):c.1262G>A (p.Arg421Gln)

Gene: AARS2 (alanyl-tRNA synthetase 2, mitochondrial; minus strand). Cytogenetic location: 6p21.1.
Variant type: single nucleotide variant.
Coding change: c.1262G>A on transcript NM_020745.4 (MANE Select); coding-DNA position 1262, G replaced by A.
Protein change: p.Arg421Gln; replaces arginine 421 with glutamine.
Molecular consequence: missense variant.
Genome position (GRCh38, 1-based): chr6:44,306,318, C>T on the plus strand (G>A on the coding strand, the complement: AARS2 is on the minus strand). VCF-style: chr6-44306318-C-T. GRCh37 (hg19) VCF-style: chr6-44274055-C-T.
Other names: short protein forms R421Q.
Identifiers: ClinVar variation 2656614 (VCV002656614.23), dbSNP rs143345225, ClinGen allele CA3834384.
Genomic context (GRCh38, chr6:44,306,318, plus strand): 5'-ATGGGCTAGGTATCCTGCTTACCAGGGAACATATCTGAAGGCCCCAGGGTCCTCAGAGTC[C>T]GATCAATGATCCGCCTACCCCGCTCCAGGGAGGCCAGGAAGGCTGCCTCGTCCTCTGACA-3'
Protein context (NP_065796.2, residues 411-431): SLERGRRIID[Arg421Gln]TLRTLGPSDM